The following is an entry in ClinVar:

NM_002474.3(MYH11):c.3588G>T (p.Glu1196Asp)

Gene: MYH11 (myosin heavy chain 11; minus strand). Cytogenetic location: 16p13.11.
Variant type: single nucleotide variant.
Coding change: c.3588G>T on transcript NM_002474.3 (MANE Select); coding-DNA position 3588, G replaced by T.
Protein change: p.Glu1196Asp; replaces glutamic acid 1196 with aspartic acid.
Molecular consequence: missense variant.
Genome position (GRCh38, 1-based): chr16:15,732,627, C>A on the plus strand (G>T on the coding strand, the complement: MYH11 is on the minus strand). VCF-style: chr16-15732627-C-A. GRCh37 (hg19) VCF-style: chr16-15826484-C-A.
Other names: c.3609G>T, p.Glu1203Asp (NM_001040113.2, NM_001040114.2); c.3588G>T, p.Glu1196Asp (NM_022844.3); short protein forms E1196D, E1203D.
Identifiers: ClinVar variation 3074224 (VCV003074224.1), dbSNP rs1316827248, ClinGen allele CA394861104.
Genomic context (GRCh38, chr16:15,732,627, plus strand): 5'-CTTGAACTGCTCAAGCTGCTCTGTGAGCTCCTCCACCGCCTGTGCGTGTTTCTGCCTCAT[C>A]TCCTGGACCTGAGCCTCATGGGACCGCGTCTCTTCATCCAGGGCCTTCTTCAGCACCGTC-3'
Protein context (NP_002465.1, residues 1186-1206): ETRSHEAQVQ[Glu1196Asp]MRQKHAQAVE

ClinVar aggregate classification (germline): Uncertain significance (1 of 4 stars; one submission).

Conditions:
Familial thoracic aortic aneurysm and aortic dissection (TAAD). Also called: Thoracic aortic aneurysms and dissections. Identifiers: Orphanet 91387, MedGen C4707243, MONDO:0019625.

Submission:

All of Us Research Program, National Institutes of Health
Classification: Uncertain significance for Familial thoracic aortic aneurysm and aortic dissection. Last evaluated: 2023-11-02. Review status: criteria provided, single submitter. Criteria: ACMG Guidelines, 2015. Collection method: clinical testing. Allele origin: germline. Inheritance: Autosomal dominant inheritance. Observed: 1 variant allele, 1 heterozygote.
Comment: This missense variant replaces glutamic acid with aspartic acid at codon 1203 of the MYH11 protein. Computational prediction suggests that this variant may not impact protein structure and function (internally defined REVEL score threshold <= 0.5, PMID: 27666373). To our knowledge, functional studies have not been reported for this variant. This variant has not been reported in individuals affected with MYH11-related disorders in the literature. This variant has not been identified in the general population by the Genome Aggregation Database (gnomAD). The available evidence is insufficient to determine the role of this variant in disease conclusively. Therefore, this variant is classified as a Variant of Uncertain Significance.

This study involves interpretation of variants in research participants for the purpose of population health screening. Participant phenotype was not available at the time of variant classification. Additional details can be found in publication PMID: 35346344, PMCID: PMC8962531